The following is an entry in ClinVar:

ClinVar aggregate classification (germline): Uncertain significance (1 of 4 stars; one submission).

Conditions:
Pierson syndrome. Also called: MICROCORIA-CONGENITAL NEPHROTIC SYNDROME. Identifiers: Orphanet 2670, MedGen C1836876, MONDO:0012184, OMIM 609049.
LAMB2-related infantile-onset nephrotic syndrome. Also called: NEPHROTIC SYNDROME, TYPE 5, WITHOUT OCULAR ABNORMALITIES; NEPHROTIC SYNDROME, TYPE 5, WITH OCULAR ABNORMALITIES; Nephrotic Syndrome, type 5. Identifiers: Orphanet 306507, MedGen C3280113, MONDO:0013621, OMIM 614199.

gnomAD v4.1: 1 of 1,613,538 alleles (0.000062%); highest among the groups gnomAD compares: African/African-American, 0.0013%; no homozygotes.

Submission:

Labcorp Genetics (formerly Invitae), Labcorp
Classification: Uncertain significance for LAMB2-related infantile-onset nephrotic syndrome; Pierson syndrome. Last evaluated: 2025-11-06. Review status: criteria provided, single submitter. Criteria: Invitae Variant Classification Sherloc (09022015). Collection method: clinical testing. Allele origin: germline.
Comment: This sequence change replaces glutamic acid, which is acidic and polar, with aspartic acid, which is acidic and polar, at codon 1561 of the LAMB2 protein (p.Glu1561Asp). This variant is present in population databases (rs145478482, gnomAD 0.007%). This variant has not been reported in the literature in individuals affected with LAMB2-related conditions. An algorithm developed to predict the effect of missense changes on protein structure and function (PolyPhen-2) suggests that this variant is likely to be tolerated. In summary, the available evidence is currently insufficient to determine the role of this variant in disease. Therefore, it has been classified as a Variant of Uncertain Significance.

NM_002292.4(LAMB2):c.4683G>T (p.Glu1561Asp)

Gene: LAMB2 (laminin subunit beta 2; minus strand). Cytogenetic location: 3p21.31.
Variant type: single nucleotide variant.
Coding change: c.4683G>T on transcript NM_002292.4 (MANE Select); coding-DNA position 4683, G replaced by T.
Protein change: p.Glu1561Asp; replaces glutamic acid 1561 with aspartic acid.
Molecular consequence: missense variant.
Genome position (GRCh38, 1-based): chr3:49,122,261, C>A on the plus strand (G>T on the coding strand, the complement: LAMB2 is on the minus strand). VCF-style: chr3-49122261-C-A. GRCh37 (hg19) VCF-style: chr3-49159694-C-A.
Other names: short protein forms E1561D.
Identifiers: ClinVar variation 4792395 (VCV004792395.1).